The following is an entry in ClinVar:

ClinVar aggregate classification (germline): Likely benign (0 of 4 stars; one submission).

Conditions:
LRRC32-related disorder. Also called: LRRC32-related condition.

Submission:

PreventionGenetics, part of Exact Sciences
Classification: Likely benign for LRRC32-related condition. Last evaluated: 2024-09-28. Review status: no assertion criteria provided. Collection method: clinical testing. Allele origin: germline.
Comment: This variant is classified as likely benign based on ACMG/AMP sequence variant interpretation guidelines (Richards et al. 2015 PMID: 25741868, with internal and published modifications).

NM_001128922.2(LRRC32):c.1336C>T (p.Arg446Cys)

Genes: LRRC32 (leucine rich repeat containing 32; minus strand), LRRC32-AS1 (LRRC32 antisense RNA 1; plus strand). Cytogenetic location: 11q13.5.
Variant type: single nucleotide variant.
Coding change: c.1336C>T on transcript NM_001128922.2 (MANE Select); coding-DNA position 1336, C replaced by T.
Protein change: p.Arg446Cys; replaces arginine 446 with cysteine.
Molecular consequence: missense variant. On other transcripts: non-coding transcript variant (1), intron variant (1).
Genome position (GRCh38, 1-based): chr11:76,660,257, G>A on the plus strand (C>T on the coding strand, the complement: LRRC32 is on the minus strand). VCF-style: chr11-76660257-G-A. GRCh37 (hg19) VCF-style: chr11-76371301-G-A.
Other names: c.1336C>T, p.Arg446Cys (NM_001370187.1, NM_001370188.1, NM_005512.3); c.1270C>T, p.Arg424Cys (NM_001370189.1); c.1006C>T, p.Arg336Cys (NM_001370190.1); c.85-2223C>T (NM_001370191.1); short protein forms R336C, R424C, R446C.
Identifiers: ClinVar variation 3357541 (VCV003357541.1).